The following is an entry in ClinVar:

ClinVar aggregate classification (germline): Pathogenic (1 of 4 stars; one submission).

Conditions:
Cardiovascular phenotype. Identifiers: MedGen CN230736.
Hereditary cancer-predisposing syndrome. Also called: Neoplastic Syndromes, Hereditary; Tumor predisposition; Hereditary neoplastic syndrome; Hereditary Cancer Syndrome. Identifiers: Orphanet 140162, MedGen C0027672, MeSH D009386, MONDO:0015356.

Submission:

Ambry Genetics
Classification: Pathogenic for Cardiovascular phenotype; Hereditary cancer-predisposing syndrome. Last evaluated: 2026-09-11. Review status: criteria provided, single submitter. Criteria: Ambry Variant Classification Scheme 2023. Collection method: clinical testing. Allele origin: germline.
Comment: The c.3103_3104delAT pathogenic mutation, located in coding exon 23 of the NF1 gene, results from a deletion of two nucleotides at nucleotide positions 3103 to 3104, causing a translational frameshift with a predicted alternate stop codon (p.M1035Efs*3). This variant is considered to be rare based on population cohorts in the Genome Aggregation Database (gnomAD). This alteration is expected to result in loss of function by premature protein truncation or nonsense-mediated mRNA decay. As such, this alteration is interpreted as a disease-causing mutation.

NM_001042492.3(NF1):c.3103_3104del (p.Met1035fs)

Gene: NF1 (neurofibromin 1; plus strand). Cytogenetic location: 17q11.2.
Variant type: Deletion.
Coding change: c.3103_3104del on transcript NM_001042492.3 (MANE Select); coding-DNA positions 3103 to 3104, 2 bases deleted (AT; older notation c.3103_3104delAT).
Protein change: p.Met1035fs; shifts the reading frame from methionine 1035.
Molecular consequence: frameshift variant.
Genome position (GRCh38, 1-based): chr17:31,230,372-31,230,373, AT deleted. VCF-style (leftmost placement, unchanged base first): chr17-31230371-GAT-G. GRCh37 (hg19) VCF-style: chr17-29557389-GAT-G.
Other names: c.3103_3104del, p.Met1035fs (NM_000267.4); short protein forms M1035fs.
Identifiers: ClinVar variation 5025666 (VCV005025666.1).